The following is an entry in ClinVar:

ClinVar aggregate classification (germline): Likely pathogenic. Review status: criteria provided, multiple submitters, no conflicts (2 of 4 stars). 3 submissions from 3 submitters: Likely pathogenic (3). Last evaluated 2024-01-18.

Conditions:
Finnish congenital nephrotic syndrome (NPHS1). Also called: NEPHROTIC SYNDROME, TYPE 1. Identifiers: Orphanet 839, MedGen C0403399, MONDO:0009732, OMIM 256300.

Allele frequency attached by ClinVar (database versions not stated): TOPMed below 0.00001.

Submissions (3):

Fulgent Genetics
Classification: Likely pathogenic for Finnish congenital nephrotic syndrome. Last evaluated: 2024-01-18. Review status: criteria provided, single submitter. Criteria: ACMG Guidelines, 2015. Collection method: clinical testing. Allele origin: germline.

Baylor Genetics
Classification: Likely pathogenic for Finnish congenital nephrotic syndrome. Last evaluated: 2023-08-10. Review status: criteria provided, single submitter. Criteria: ACMG Guidelines, 2015. Collection method: clinical testing. Allele origin: unknown.

Labcorp Genetics (formerly Invitae), Labcorp
Classification: Likely pathogenic. Last evaluated: 2020-03-03. Review status: criteria provided, single submitter. Criteria: Invitae Variant Classification Sherloc (09022015). Collection method: clinical testing. Allele origin: germline.
Comment: In summary, the currently available evidence indicates that the variant is pathogenic, but additional data are needed to prove that conclusively. Therefore, this variant has been classified as Likely Pathogenic. Donor and acceptor splice site variants typically lead to a loss of protein function (PMID: 16199547), and loss-of-function variants in NPHS1 are known to be pathogenic (PMID: 11317351, 11854170, 12039988). Algorithms developed to predict the effect of sequence changes on RNA splicing suggest that this variant may disrupt the consensus splice site, but this prediction has not been confirmed by published transcriptional studies. Disruption of this splice site has been observed in individual(s) with congenital or infantile nephrotic syndrome (PMID: 25720465). This variant is not present in population databases (ExAC no frequency). This sequence change affects a donor splice site in intron 18 of the NPHS1 gene. It is expected to disrupt RNA splicing and likely results in an absent or disrupted protein product.

Literature cited by the submitters: PubMed 16199547 (cited by Labcorp Genetics (formerly Invitae), Labcorp); PubMed 11317351 (cited by Labcorp Genetics (formerly Invitae), Labcorp); PubMed 11854170 (cited by Labcorp Genetics (formerly Invitae), Labcorp); PubMed 12039988 (cited by Labcorp Genetics (formerly Invitae), Labcorp); PubMed 25720465 (cited by Labcorp Genetics (formerly Invitae), Labcorp).

NM_004646.4(NPHS1):c.2506+1G>A

Gene: NPHS1 (NPHS1 adhesion molecule, nephrin; minus strand). Cytogenetic location: 19q13.12.
Variant type: single nucleotide variant.
Coding change: c.2506+1G>A on transcript NM_004646.4 (MANE Select); the canonical splice donor site of the intron after coding-DNA position 2506, G replaced by A.
Molecular consequence: splice donor variant.
Genome position (GRCh38, 1-based): chr19:35,842,378, C>T on the plus strand (G>A on the coding strand, the complement: NPHS1 is on the minus strand). VCF-style: chr19-35842378-C-T. GRCh37 (hg19) VCF-style: chr19-36333280-C-T.
Identifiers: ClinVar variation 1065999 (VCV001065999.11), dbSNP rs1973073001, ClinGen allele CA405392460.